The following is an entry in ClinVar:

NM_152305.3(POGLUT1):c.733A>G (p.Met245Val)

Gene: POGLUT1 (protein O-glucosyltransferase 1; plus strand). Cytogenetic location: 3q13.33.
Variant type: single nucleotide variant.
Coding change: c.733A>G on transcript NM_152305.3 (MANE Select); coding-DNA position 733, A replaced by G.
Protein change: p.Met245Val; replaces methionine 245 with valine.
Molecular consequence: missense variant. On other transcripts: non-coding transcript variant (1).
Genome position (GRCh38, 1-based): chr3:119,486,927, A>G. VCF-style: chr3-119486927-A-G. GRCh37 (hg19) VCF-style: chr3-119205774-A-G.
Other names: c.733A>G (NM_152305.2); short protein forms M245V.
Identifiers: ClinVar variation 664362 (VCV000664362.29), dbSNP rs368566548, ClinGen allele CA2554949.
Genomic context (GRCh38, chr3:119,486,927, plus strand): 5'-TCTCGGAAAAACCCAAAACTTGTTGATGCAGAATACACCAAAAACCAGGCCTGGAAATCT[A>G]TGAAAGTAATCACCAGTCATCTGACTAGAACTACAGCAGTGAACATTCTCACTCAAAGAA-3'
Protein context (NP_689518.1, residues 235-255): EYTKNQAWKS[Met245Val]KDTLGKPAAK

ClinVar aggregate classification (germline): Uncertain significance. Review status: criteria provided, multiple submitters, no conflicts (2 of 4 stars). 7 submissions from 7 submitters: Uncertain significance (7). Last evaluated 2025-11-11.

Conditions:
Autosomal recessive limb-girdle muscular dystrophy type 2R1 (LGMDR21). Also called: Muscular dystrophy, limb-girdle, type 2z; Autosomal recessive limb-girdle muscular dystrophy type 2Z. Identifiers: Orphanet 480682, MedGen C4310660, MONDO:0014977, OMIM 617232.
Dowling-Degos disease 4. Identifiers: Orphanet 79145, MedGen C3810313, MONDO:0014307, OMIM 615696.
Inborn genetic diseases. Identifiers: MedGen C0950123, MeSH D030342.

Allele frequency attached by ClinVar (database versions not stated): gnomAD exomes 0.00003 and 0.00007; ExAC 0.00006; ESP Exome Variant Server 0.00008; gnomAD 0.00020 and 0.00021; TOPMed 0.00023; 1000 Genomes Project 30x 0.00031; 1000 Genomes Project 0.00040.
gnomAD v4.1: 79 of 1,601,786 alleles (0.0049%); highest among the groups gnomAD compares: Admixed American, 0.033%; no homozygotes.

Submissions (7):

Women's Health and Genetics/Laboratory Corporation of America, LabCorp
Classification: Uncertain significance. Last evaluated: 2025-11-11. Review status: criteria provided, single submitter. Criteria: LabCorp Variant Classification Summary - May 2015. Collection method: clinical testing. Allele origin: germline.
Comment: Variant summary: POGLUT1 c.733A>G (p.Met245Val) results in a conservative amino acid change in the encoded protein sequence. Algorithms developed to predict the effect of missense changes on protein structure and function all suggest that this variant is likely to be tolerated. The variant allele was found at a frequency of 6.8e-05 in 251348 control chromosomes. This frequency is not significantly higher than estimated for disease-causing variants in POGLUT1, allowing no conclusion about variant significance. To our knowledge, no occurrence of c.733A>G in individuals affected with POGLUT1-related conditions and no experimental evidence demonstrating its impact on protein function have been reported. ClinVar contains an entry for this variant (Variation ID: 664362). Based on the evidence outlined above, the variant was classified as uncertain significance.

Labcorp Genetics (formerly Invitae), Labcorp
Classification: Uncertain significance. Last evaluated: 2025-08-06. Review status: criteria provided, single submitter. Criteria: Invitae Variant Classification Sherloc (09022015). Collection method: clinical testing. Allele origin: germline.
Comment: This sequence change replaces methionine, which is neutral and non-polar, with valine, which is neutral and non-polar, at codon 245 of the POGLUT1 protein (p.Met245Val). This variant is present in population databases (rs368566548, gnomAD 0.03%). This variant has not been reported in the literature in individuals affected with POGLUT1-related conditions. ClinVar contains an entry for this variant (Variation ID: 664362). Invitae Evidence Modeling of protein sequence and biophysical properties (such as structural, functional, and spatial information, amino acid conservation, physicochemical variation, residue mobility, and thermodynamic stability) indicates that this missense variant is not expected to disrupt POGLUT1 protein function with a negative predictive value of 80%. In summary, the available evidence is currently insufficient to determine the role of this variant in disease. Therefore, it has been classified as a Variant of Uncertain Significance.

GeneDx
Classification: Uncertain significance. Last evaluated: 2025-06-24. Review status: criteria provided, single submitter. Criteria: GeneDx Variant Classification Process June 2021. Collection method: clinical testing. Allele origin: germline. Affected: yes.
Comment: In silico analysis suggests that this missense variant does not alter protein structure/function; Has not been previously published as pathogenic or benign to our knowledge

CeGaT Center for Human Genetics Tuebingen
Classification: Uncertain significance. Last evaluated: 2024-12-01. Review status: criteria provided, single submitter. Criteria: CeGaT Center For Human Genetics Tuebingen Variant Classification Criteria Version 2. Collection method: clinical testing. Allele origin: germline. Affected: yes. Observed: 1 variant allele.
Comment: POGLUT1: PM2, BP4

Ambry Genetics
Classification: Uncertain significance for Inborn genetic diseases. Last evaluated: 2023-11-14. Review status: criteria provided, single submitter. Criteria: Ambry Variant Classification Scheme 2023. Collection method: clinical testing. Allele origin: germline.

Department of Pathology and Laboratory Medicine, Sinai Health System
Classification: Uncertain significance for Dowling-Degos disease 4; Autosomal recessive limb-girdle muscular dystrophy type 2R1. Last evaluated: 2022-03-23. Review status: criteria provided, single submitter. Criteria: ACMG Guidelines, 2015. Collection method: research. Allele origin: germline.

Revvity Omics, Revvity
Classification: Uncertain significance. Last evaluated: 2020-02-28. Review status: criteria provided, single submitter. Criteria: ACMG Guidelines, 2015. Collection method: clinical testing. Allele origin: germline.